The following is an entry in ClinVar:

ClinVar aggregate classification (germline): Uncertain significance (1 of 4 stars; one submission).

Conditions:
Familial hypobetalipoproteinemia 1. Also called: APOB-Related Familial Hypobetalipoproteinemia; Hypobetalipoproteinemia, normotriglyceridemic; Acanthocytosis with hypobetalipoproteinemia. Identifiers: MedGen C4551990, MONDO:0014252, OMIM 615558.
Hypercholesterolemia, autosomal dominant, type B (FHCL2). Also called: Familial Hypercholesterolemia Type B; APOLIPOPROTEIN B-100, FAMILIAL DEFECTIVE; APOLIPOPROTEIN B-100, FAMILIAL LIGAND-DEFECTIVE; HYPERCHOLESTEROLEMIA, FAMILIAL, DUE TO LIGAND-DEFECTIVE APOLIPOPROTEIN B; Hyperlipoproteinemia Type IIb; APOB-Related Familial Hypercholesterolemia, Autosomal Dominant. Identifiers: MedGen C1704417, MONDO:0007751, OMIM 144010.

Allele frequency attached by ClinVar (database versions not stated): gnomAD exomes below 0.00001; TOPMed below 0.00001; gnomAD 0.00001.
gnomAD v4.1: 5 of 1,613,804 alleles (0.00031%); highest among the groups gnomAD compares: Non-Finnish European, 0.00042%; no homozygotes.

Submission:

Labcorp Genetics (formerly Invitae), Labcorp
Classification: Uncertain significance for Familial hypobetalipoproteinemia 1; Hypercholesterolemia, autosomal dominant, type B. Last evaluated: 2022-08-21. Review status: criteria provided, single submitter. Criteria: Invitae Variant Classification Sherloc (09022015). Collection method: clinical testing. Allele origin: germline.
Comment: This variant has not been reported in the literature in individuals affected with APOB-related conditions. This variant is not present in population databases (gnomAD no frequency). This sequence change replaces glutamic acid, which is acidic and polar, with lysine, which is basic and polar, at codon 3236 of the APOB protein (p.Glu3236Lys). Algorithms developed to predict the effect of missense changes on protein structure and function are either unavailable or do not agree on the potential impact of this missense change (SIFT: "Deleterious"; PolyPhen-2: "Possibly Damaging"; Align-GVGD: "Class C0"). In summary, the available evidence is currently insufficient to determine the role of this variant in disease. Therefore, it has been classified as a Variant of Uncertain Significance.

NM_000384.3(APOB):c.9706G>A (p.Glu3236Lys)

Gene: APOB (apolipoprotein B; minus strand). Cytogenetic location: 2p24.1.
Variant type: single nucleotide variant.
Coding change: c.9706G>A on transcript NM_000384.3 (MANE Select); coding-DNA position 9706, G replaced by A.
Protein change: p.Glu3236Lys; replaces glutamic acid 3236 with lysine.
Molecular consequence: missense variant.
Genome position (GRCh38, 1-based): chr2:21,007,162, C>T on the plus strand (G>A on the coding strand, the complement: APOB is on the minus strand). VCF-style: chr2-21007162-C-T. GRCh37 (hg19) VCF-style: chr2-21230034-C-T.
Other names: short protein forms E3236K.
Identifiers: ClinVar variation 2186807 (VCV002186807.4), dbSNP rs1422346794, ClinGen allele CA345989158.